The following is an entry in ClinVar:

NM_015374.3(SUN2):c.1115A>G (p.Asp372Gly)

Genes: GTPBP1 (GTP binding protein 1; plus strand), SUN2 (Sad1 and UNC84 domain containing 2; minus strand). Cytogenetic location: 22q13.1.
Variant type: single nucleotide variant.
Coding change: c.1115A>G on transcript NM_015374.3 (MANE Select); coding-DNA position 1115, A replaced by G.
Protein change: p.Asp372Gly; replaces aspartic acid 372 with glycine.
Molecular consequence: missense variant. On other transcripts: intron variant (3).
Genome position (GRCh38, 1-based): chr22:38,741,525, T>C on the plus strand (A>G on the coding strand, the complement: SUN2 is on the minus strand). VCF-style: chr22-38741525-T-C. GRCh37 (hg19) VCF-style: chr22-39137530-T-C.
Other names: c.1178A>G, p.Asp393Gly (NM_001199579.2, NM_001394428.1); c.1115A>G, p.Asp372Gly (NM_001199580.2, NM_001394431.1, NM_001394432.1 and 5 more transcripts); c.1208A>G, p.Asp403Gly (NM_001394427.1); c.1160A>G, p.Asp387Gly (NM_001394429.1, NM_001394430.1); c.1025A>G, p.Asp342Gly (NM_001394438.1); c.977A>G, p.Asp326Gly (NM_001394439.1, NM_001394440.1, NM_001394441.1); c.623A>G, p.Asp208Gly (NM_001394443.1); c.615-1093A>G (NM_001394444.1, NM_001394445.1); and 1 more; short protein forms D372G, D403G, D342G, D393G, D208G, D326G, D387G.
Identifiers: ClinVar variation 2490990 (VCV002490990.5), dbSNP rs1341828640, ClinGen allele CA411585025.

ClinVar aggregate classification (germline): Uncertain significance. Review status: criteria provided, multiple submitters, no conflicts (2 of 4 stars). 2 submissions from 2 submitters: Uncertain significance (2). Last evaluated 2025-02-24.

Conditions:
Emery-Dreifuss muscular dystrophy (EDMD). Also called: Scapuloperoneal syndrome, X-linked (formerly); Humeroperoneal neuromuscular disease, (formerly). Identifiers: Orphanet 261, MedGen C0410189, MONDO:0016830.

Submissions (2):

Labcorp Genetics (formerly Invitae), Labcorp
Classification: Uncertain significance for Emery-Dreifuss muscular dystrophy. Last evaluated: 2025-02-24. Review status: criteria provided, single submitter. Criteria: Invitae Variant Classification Sherloc (09022015). Collection method: clinical testing. Allele origin: germline.
Comment: This sequence change replaces aspartic acid, which is acidic and polar, with glycine, which is neutral and non-polar, at codon 372 of the SUN2 protein (p.Asp372Gly). This variant is not present in population databases (gnomAD no frequency). This variant has not been reported in the literature in individuals affected with SUN2-related conditions. ClinVar contains an entry for this variant (Variation ID: 2490990). An algorithm developed to predict the effect of missense changes on protein structure and function (PolyPhen-2) suggests that this variant is likely to be tolerated. In summary, the available evidence is currently insufficient to determine the role of this variant in disease. Therefore, it has been classified as a Variant of Uncertain Significance.

Ambry Genetics
Classification: Uncertain significance. Last evaluated: 2023-02-28. Review status: criteria provided, single submitter. Criteria: Ambry Variant Classification Scheme 2023. Collection method: clinical testing. Allele origin: germline.